The following is an entry in ClinVar:

NM_003873.7(NRP1):c.1754T>C (p.Val585Ala)

Gene: NRP1 (neuropilin 1; minus strand). Cytogenetic location: 10p11.22.
Variant type: single nucleotide variant.
Coding change: c.1754T>C on transcript NM_003873.7 (MANE Select); coding-DNA position 1754, T replaced by C.
Protein change: p.Val585Ala; replaces valine 585 with alanine.
Molecular consequence: missense variant. On other transcripts: non-coding transcript variant (1).
Genome position (GRCh38, 1-based): chr10:33,207,577, A>G on the plus strand (T>C on the coding strand, the complement: NRP1 is on the minus strand). VCF-style: chr10-33207577-A-G. GRCh37 (hg19) VCF-style: chr10-33496505-A-G.
Other names: c.1754T>C, p.Val585Ala (NM_001024628.3, NM_001024629.3, NM_001244972.2 and 2 more transcripts); short protein forms V585A.
Identifiers: ClinVar variation 4559234 (VCV004559234.2).

ClinVar aggregate classification (germline): Uncertain significance. Review status: criteria provided, multiple submitters, no conflicts (2 of 4 stars). 2 submissions from 2 submitters: Uncertain significance (2). Last evaluated 2025-12-03.

Conditions:
NRP1-related disorder. Also called: NRP1-related condition.

gnomAD v4.1: 3 of 1,614,100 alleles (0.00019%); highest among the groups gnomAD compares: Non-Finnish European, 0.00025%; no homozygotes.

Submissions (2):

Ambry Genetics
Classification: Uncertain significance. Last evaluated: 2025-12-03. Review status: criteria provided, single submitter. Criteria: Ambry Variant Classification Scheme 2023. Collection method: clinical testing. Allele origin: germline.

PreventionGenetics, part of Exact Sciences
Classification: Uncertain significance for NRP1-related condition. Last evaluated: 2025-01-13. Review status: criteria provided, single submitter. Criteria: ACMG Guidelines, 2015. Collection method: clinical testing. Allele origin: germline.
Comment: The NRP1 c.1754T>C variant is predicted to result in the amino acid substitution p.Val585Ala. To our knowledge, this variant has not been reported in the literature. This variant is reported in 0.00088% of alleles in individuals of European (Non-Finnish) descent in gnomAD. At this time, the clinical significance of this variant is uncertain due to the absence of conclusive functional and genetic evidence.